The following is an entry in ClinVar:

NM_001367624.2(ZNF469):c.2032G>A (p.Ala678Thr)

Gene: ZNF469 (zinc finger protein 469; plus strand). Cytogenetic location: 16q24.2.
Variant type: single nucleotide variant.
Coding change: c.2032G>A on transcript NM_001367624.2 (MANE Select); coding-DNA position 2032, G replaced by A.
Protein change: p.Ala678Thr; replaces alanine 678 with threonine.
Molecular consequence: missense variant.
Genome position (GRCh38, 1-based): chr16:88,429,502, G>A. VCF-style: chr16-88429502-G-A. GRCh37 (hg19) VCF-style: chr16-88495910-G-A.
Other names: short protein forms A678T.
Identifiers: ClinVar variation 4739268 (VCV004739268.1).

ClinVar aggregate classification (germline): Uncertain significance (1 of 4 stars; one submission).

gnomAD v4.1: 4 of 1,549,906 alleles (0.00026%); highest among the groups gnomAD compares: African/African-American, 0.0027%; no homozygotes.

Submission:

Labcorp Genetics (formerly Invitae), Labcorp
Classification: Uncertain significance. Last evaluated: 2026-01-04. Review status: criteria provided, single submitter. Criteria: Invitae Variant Classification Sherloc (09022015). Collection method: clinical testing. Allele origin: germline.
Comment: This sequence change replaces alanine, which is neutral and non-polar, with threonine, which is neutral and polar, at codon 678 of the ZNF469 protein (p.Ala678Thr). This variant is not present in population databases (gnomAD no frequency). This variant has not been reported in the literature in individuals affected with ZNF469-related conditions. An algorithm developed to predict the effect of missense changes on protein structure and function outputs the following: PolyPhen-2: "Benign". The threonine amino acid residue is found in multiple mammalian species, which suggests that this missense change does not adversely affect protein function. In summary, the available evidence is currently insufficient to determine the role of this variant in disease. Therefore, it has been classified as a Variant of Uncertain Significance.